The following is an entry in ClinVar:

ClinVar aggregate classification (germline): Likely benign (1 of 4 stars; one submission).

Conditions:
ALX1-related disorder. Also called: ALX1-related condition.

Submission:

PreventionGenetics, part of Exact Sciences
Classification: Likely benign for ALX1-related condition. Last evaluated: 2025-01-24. Review status: criteria provided, single submitter. Criteria: ACMG Guidelines, 2015. Collection method: clinical testing. Allele origin: germline.
Comment: This variant is classified as likely benign based on ACMG/AMP sequence variant interpretation guidelines (Richards et al. 2015 PMID: 25741868, with internal and published modifications).

NM_006982.3(ALX1):c.207G>T (p.Ser69=)

Genes: ALX1 (ALX homeobox 1; plus strand), LOC124629423 (Sharpr-MPRA regulatory region 79; plus strand). Cytogenetic location: 12q21.31.
Variant type: single nucleotide variant.
Coding change: c.207G>T on transcript NM_006982.3 (MANE Select); coding-DNA position 207, G replaced by T.
Protein change: p.Ser69=; no amino-acid change (serine 69 retained).
Molecular consequence: synonymous variant.
Genome position (GRCh38, 1-based): chr12:85,280,468, G>T. VCF-style: chr12-85280468-G-T. GRCh37 (hg19) VCF-style: chr12-85674246-G-T.
Identifiers: ClinVar variation 5000016 (VCV005000016.1).